The following is an entry in ClinVar:

ClinVar aggregate classification (germline): Pathogenic (1 of 4 stars; one submission).

Conditions:
Long QT syndrome (LQTS). Identifiers: MedGen C0023976, MeSH D008133, MONDO:0002442. Disease mechanism: loss of function. Inheritance: Various modes of inheritance.

Submission:

Labcorp Genetics (formerly Invitae), Labcorp
Classification: Pathogenic for Long QT syndrome. Last evaluated: 2023-11-15. Review status: criteria provided, single submitter. Criteria: Invitae Variant Classification Sherloc (09022015). Collection method: clinical testing. Allele origin: germline.
Comment: This sequence change creates a premature translational stop signal (p.Glu90*) in the KCNH2 gene. It is expected to result in an absent or disrupted protein product. Loss-of-function variants in KCNH2 are known to be pathogenic (PMID: 10973849, 19862833). This variant is not present in population databases (gnomAD no frequency). This variant has not been reported in the literature in individuals affected with KCNH2-related conditions. For these reasons, this variant has been classified as Pathogenic.

Literature cited by the submitters: PubMed 10973849; PubMed 19862833.

NM_000238.4(KCNH2):c.268G>T (p.Glu90Ter)

Gene: KCNH2 (potassium voltage-gated channel subfamily H member 2; minus strand). Cytogenetic location: 7q36.1.
Variant type: single nucleotide variant.
Coding change: c.268G>T on transcript NM_000238.4 (MANE Select); coding-DNA position 268, G replaced by T.
Protein change: p.Glu90Ter; replaces glutamic acid 90 with a stop codon.
Molecular consequence: nonsense. On other transcripts: non-coding transcript variant (1).
Genome position (GRCh38, 1-based): chr7:150,974,750, C>A on the plus strand (G>T on the coding strand, the complement: KCNH2 is on the minus strand). VCF-style: chr7-150974750-C-A. GRCh37 (hg19) VCF-style: chr7-150671838-C-A.
Other names: c.91G>T, p.Glu31Ter (NM_001406755.1); c.268G>T, p.Glu90Ter (NM_172056.3); short protein forms E31*, E90*.
Identifiers: ClinVar variation 2880265 (VCV002880265.3), dbSNP rs777810074, ClinGen allele CA369865409.